The following is an entry in ClinVar:

ClinVar aggregate classification (germline): Uncertain significance. Review status: criteria provided, single submitter (1 of 4 stars). 2 submissions from 2 submitters: Uncertain significance (1). 1 of the submissions does not count toward it. Last evaluated 2025-09-10.

Conditions:
ITGA2B-related disorder. Also called: ITGA2B-related disorders; ITGA2B-related condition.
Glanzmann thrombasthenia. Also called: Thrombasthenia; THROMBASTHENIA OF GLANZMANN AND NAEGELI; Glanzmann's thrombasthenia; PLATELET GLYCOPROTEIN IIb-IIIa DEFICIENCY. Identifiers: Orphanet 849, MedGen C0040015, MONDO:0100326.

Allele frequency attached by ClinVar (database versions not stated): gnomAD exomes below 0.00001; ExAC 0.00001; gnomAD 0.00001; TOPMed 0.00002.
gnomAD v4.1: 6 of 1,613,218 alleles (0.00037%); highest among the groups gnomAD compares: Admixed American, 0.0017%; no homozygotes.

Submissions (2):

Labcorp Genetics (formerly Invitae), Labcorp
Classification: Uncertain significance for Glanzmann thrombasthenia. Last evaluated: 2025-09-10. Review status: criteria provided, single submitter. Criteria: Invitae Variant Classification Sherloc (09022015). Collection method: clinical testing. Allele origin: germline.
Comment: This sequence change replaces glutamine, which is neutral and polar, with histidine, which is basic and polar, at codon 165 of the ITGA2B protein (p.Gln165His). This variant is present in population databases (rs748310417, gnomAD 0.002%). This variant has not been reported in the literature in individuals affected with ITGA2B-related conditions. ClinVar contains an entry for this variant (Variation ID: 2885528). An algorithm developed to predict the effect of missense changes on protein structure and function outputs the following: PolyPhen-2: "Benign". The histidine amino acid residue is found in multiple mammalian species, which suggests that this missense change does not adversely affect protein function. In summary, the available evidence is currently insufficient to determine the role of this variant in disease. Therefore, it has been classified as a Variant of Uncertain Significance.

PreventionGenetics, part of Exact Sciences
Classification: Uncertain significance for ITGA2B-related condition. Last evaluated: 2023-12-24. Review status: no assertion criteria provided. Collection method: clinical testing. Allele origin: germline. Not counted in ClinVar's aggregate classification.
Comment: The ITGA2B c.495G>T variant is predicted to result in the amino acid substitution p.Gln165His. To our knowledge, this variant has not been reported in the literature. This variant is reported in 0.0016% of alleles in individuals of European (Non-Finnish) descent in gnomAD. At this time, the clinical significance of this variant is uncertain due to the absence of conclusive functional and genetic evidence.

NM_000419.5(ITGA2B):c.495G>T (p.Gln165His)

Gene: ITGA2B (integrin subunit alpha 2b; minus strand). Cytogenetic location: 17q21.31.
Variant type: single nucleotide variant.
Coding change: c.495G>T on transcript NM_000419.5 (MANE Select); coding-DNA position 495, G replaced by T.
Protein change: p.Gln165His; replaces glutamine 165 with histidine.
Molecular consequence: missense variant.
Genome position (GRCh38, 1-based): chr17:44,385,630, C>A on the plus strand (G>T on the coding strand, the complement: ITGA2B is on the minus strand). VCF-style: chr17-44385630-C-A. GRCh37 (hg19) VCF-style: chr17-42462998-C-A.
Other names: c.495G>T (NM_000419.4); short protein forms Q165H.
Identifiers: ClinVar variation 2885528 (VCV002885528.5), dbSNP rs748310417, ClinGen allele CA8603452.